The following is an entry in ClinVar:

NM_004304.5(ALK):c.4180A>C (p.Asn1394His)

Gene: ALK (ALK receptor tyrosine kinase; minus strand). Cytogenetic location: 2p23.2.
Variant type: single nucleotide variant.
Coding change: c.4180A>C on transcript NM_004304.5 (MANE Select); coding-DNA position 4180, A replaced by C.
Protein change: p.Asn1394His; replaces asparagine 1394 with histidine.
Molecular consequence: missense variant.
Genome position (GRCh38, 1-based): chr2:29,193,907, T>G on the plus strand (A>C on the coding strand, the complement: ALK is on the minus strand). VCF-style: chr2-29193907-T-G. GRCh37 (hg19) VCF-style: chr2-29416773-T-G.
Other names: c.4180A>C (NM_004304.4); c.976A>C, p.Asn326His (NM_001353765.2); short protein forms N326H, N1394H.
Identifiers: ClinVar variation 2148634 (VCV002148634.5), dbSNP rs1292342168, ClinGen allele CA346463501.
Genomic context (GRCh38, chr2:29,193,907, plus strand): 5'-TCACAGGCACTTTCTCTTCCTCTTCCACAAGTGGACCATATTCTATCGGCAAAGCGGTGT[T>G]GATTACATCCGGGTCCTGCCGTAGGGGAAATTATTAAAACTTTGAATCAGAGACAAAAAA-3'
Protein context (NP_004295.2, residues 1384-1404): EYCTQDPDVI[Asn1394His]TALPIEYGPL

ClinVar aggregate classification (germline): Uncertain significance. Review status: criteria provided, multiple submitters, no conflicts (2 of 4 stars). 2 submissions from 2 submitters: Uncertain significance (2). Last evaluated 2026-07-10.

Conditions:
Hereditary cancer-predisposing syndrome. Also called: Tumor predisposition; Hereditary Cancer Syndrome; Hereditary neoplastic syndrome; Neoplastic Syndromes, Hereditary. Identifiers: Orphanet 140162, MedGen C0027672, MeSH D009386, MONDO:0015356.
Neuroblastoma, susceptibility to, 3. Also called: ALK-Related Neuroblastic Tumor Susceptibility. Identifiers: Orphanet 635, MedGen C2751681, MONDO:0013083, OMIM 613014.

Allele frequency attached by ClinVar (database versions not stated): TOPMed below 0.00001; gnomAD 0.00001; gnomAD exomes below 0.00001.
gnomAD v4.1: 2 of 1,614,094 alleles (0.00012%); highest among the groups gnomAD compares: Non-Finnish European, 0.00017%; no homozygotes.

Submissions (2):

Ambry Genetics
Classification: Uncertain significance for Hereditary cancer-predisposing syndrome. Last evaluated: 2026-07-10. Review status: criteria provided, single submitter. Criteria: Ambry Variant Classification Scheme 2023. Collection method: clinical testing. Allele origin: germline.
Comment: The p.N1394H variant (also known as c.4180A>C), located in coding exon 29 of the ALK gene, results from an A to C substitution at nucleotide position 4180. The asparagine at codon 1394 is replaced by histidine, an amino acid with similar properties. This amino acid position is well conserved in available vertebrate species. In addition, this alteration is predicted to be tolerated by in silico analysis. Based on the available evidence, the clinical significance of this variant remains unclear.

Labcorp Genetics (formerly Invitae), Labcorp
Classification: Uncertain significance for Neuroblastoma, susceptibility to, 3. Last evaluated: 2025-12-21. Review status: criteria provided, single submitter. Criteria: Invitae Variant Classification Sherloc (09022015). Collection method: clinical testing. Allele origin: germline.
Comment: This sequence change replaces asparagine, which is neutral and polar, with histidine, which is basic and polar, at codon 1394 of the ALK protein (p.Asn1394His). This variant is not present in population databases (gnomAD no frequency). This variant has not been reported in the literature in individuals affected with ALK-related conditions. ClinVar contains an entry for this variant (Variation ID: 2148634). An algorithm developed to predict the effect of missense changes on protein structure and function (PolyPhen-2) suggests that this variant is likely to be tolerated. In summary, the available evidence is currently insufficient to determine the role of this variant in disease. Therefore, it has been classified as a Variant of Uncertain Significance.